The following is an entry in ClinVar:

NM_000069.3(CACNA1S):c.5250G>A (p.Met1750Ile)

Gene: CACNA1S (calcium voltage-gated channel subunit alpha1 S; minus strand). Cytogenetic location: 1q32.1.
Variant type: single nucleotide variant.
Coding change: c.5250G>A on transcript NM_000069.3 (MANE Select); coding-DNA position 5250, G replaced by A.
Protein change: p.Met1750Ile; replaces methionine 1750 with isoleucine.
Molecular consequence: missense variant.
Genome position (GRCh38, 1-based): chr1:201,040,351, C>T on the plus strand (G>A on the coding strand, the complement: CACNA1S is on the minus strand). VCF-style: chr1-201040351-C-T. GRCh37 (hg19) VCF-style: chr1-201009479-C-T.
Other names: short protein forms M1750I.
Identifiers: ClinVar variation 3386273 (VCV003386273.2).

ClinVar aggregate classification (germline): Uncertain significance. Review status: criteria provided, multiple submitters, no conflicts (2 of 4 stars). 2 submissions from 2 submitters: Uncertain significance (2). Last evaluated 2024-06-09.

Conditions:
Malignant hyperthermia, susceptibility to, 5 (MHS5). Also called: CACNA1S-Related Malignant Hyperthermia Susceptibility. Identifiers: Orphanet 423, MedGen C1866077, MONDO:0011163, OMIM 601887.

Submissions (2):

All of Us Research Program, National Institutes of Health
Classification: Uncertain significance for Malignant hyperthermia, susceptibility to, 5. Last evaluated: 2024-06-09. Review status: criteria provided, single submitter. Criteria: ACMG Guidelines, 2015. Collection method: clinical testing. Allele origin: germline. Inheritance: Autosomal dominant inheritance. Observed: 1 variant allele, 1 heterozygote.
Comment: This missense variant replaces methionine with isoleucine at codon 1750 of the CACNA1S protein. Computational prediction suggests that this variant may not impact protein structure and function. To our knowledge, functional studies have not been reported for this variant. This variant has not been reported in individuals affected with CACNA1S-related disorders in the literature. This variant has not been identified in the general population by the Genome Aggregation Database (gnomAD). The available evidence is insufficient to determine the role of this variant in disease conclusively. Therefore, this variant is classified as a Variant of Uncertain Significance.

This study involves interpretation of variants in research participants for the purpose of population health screening. Participant phenotype was not available at the time of variant classification. Additional details can be found in publication PMID: 35346344, PMCID: PMC8962531

Color Diagnostics, LLC DBA Color Health
Classification: Uncertain significance for Malignant hyperthermia, susceptibility to, 5. Last evaluated: 2024-05-22. Review status: criteria provided, single submitter. Criteria: ACMG Guidelines, 2015. Collection method: clinical testing. Allele origin: germline.
Comment: This missense variant replaces methionine with isoleucine at codon 1750 of the CACNA1S protein. Computational prediction suggests that this variant may not impact protein structure and function. To our knowledge, functional studies have not been reported for this variant. This variant has not been reported in individuals affected with CACNA1S-related disorders in the literature. This variant has not been identified in the general population by the Genome Aggregation Database (gnomAD). The available evidence is insufficient to determine the role of this variant in disease conclusively. Therefore, this variant is classified as a Variant of Uncertain Significance.